The following is an entry in ClinVar:

NM_031844.3(HNRNPU):c.1340A>G (p.His447Arg)

Gene: HNRNPU (heterogeneous nuclear ribonucleoprotein U; minus strand). Cytogenetic location: 1q44.
Variant type: single nucleotide variant.
Coding change: c.1340A>G on transcript NM_031844.3 (MANE Select); coding-DNA position 1340, A replaced by G.
Protein change: p.His447Arg; replaces histidine 447 with arginine.
Molecular consequence: missense variant.
Genome position (GRCh38, 1-based): chr1:244,858,165, T>C on the plus strand (A>G on the coding strand, the complement: HNRNPU is on the minus strand). VCF-style: chr1-244858165-T-C. GRCh37 (hg19) VCF-style: chr1-245021467-T-C.
Other names: c.1283A>G, p.His428Arg (NM_004501.3); short protein forms H428R, H447R.
Identifiers: ClinVar variation 3370616 (VCV003370616.1).

ClinVar aggregate classification (germline): Uncertain significance (1 of 4 stars; one submission).

Submission:

GeneDx
Classification: Uncertain significance. Last evaluated: 2024-03-07. Review status: criteria provided, single submitter. Criteria: GeneDx Variant Classification Process June 2021. Collection method: clinical testing. Allele origin: germline. Affected: yes.
Comment: Not observed at significant frequency in large population cohorts (gnomAD); In silico analysis supports that this missense variant has a deleterious effect on protein structure/function; Has not been previously published as pathogenic or benign to our knowledge